The following is an entry in ClinVar:

ClinVar aggregate classification (germline): Benign. Review status: criteria provided, multiple submitters, no conflicts (2 of 4 stars). 2 submissions from 2 submitters: Benign (2). Last evaluated 2026-01-25.

Conditions:
SCN11A-related disorder. Also called: SCN11A-related condition.
Hereditary sensory and autonomic neuropathy type 7. Also called: HSAN VII; Neuropathy, hereditary sensory and autonomic, type VII. Identifiers: Orphanet 391397, MedGen C3809882, MONDO:0014244, OMIM 615548.
Familial episodic pain syndrome with predominantly lower limb involvement. Also called: Episodic pain syndrome, familial, 3. Identifiers: Orphanet 391384, Orphanet 391392, MedGen C3809899, MONDO:0014247, OMIM 615552.

Allele frequency attached by ClinVar (database versions not stated): gnomAD 0.00001; 1000 Genomes Project 0.00260; 1000 Genomes Project 30x 0.00265.
gnomAD v4.1: 1,241 of 1,614,050 alleles (0.077%); highest among the groups gnomAD compares: South Asian, 1.3%; 18 homozygotes.

Submissions (2):

Labcorp Genetics (formerly Invitae), Labcorp
Classification: Benign for Familial episodic pain syndrome with predominantly lower limb involvement; Hereditary sensory and autonomic neuropathy type 7. Last evaluated: 2026-01-25. Review status: criteria provided, single submitter. Criteria: Invitae Variant Classification Sherloc (09022015). Collection method: clinical testing. Allele origin: germline.

PreventionGenetics, part of Exact Sciences
Classification: Benign for SCN11A-related condition. Last evaluated: 2025-07-02. Review status: criteria provided, single submitter. Criteria: ACMG Guidelines, 2015. Collection method: clinical testing. Allele origin: germline.
Comment: This variant is classified as benign based on ACMG/AMP sequence variant interpretation guidelines (Richards et al. 2015 PMID: 25741868, with internal and published modifications).

NM_001349253.2(SCN11A):c.760G>T (p.Val254Phe)

Gene: SCN11A (sodium voltage-gated channel alpha subunit 11; minus strand). Cytogenetic location: 3p22.2.
Variant type: single nucleotide variant.
Coding change: c.760G>T on transcript NM_001349253.2 (MANE Select); coding-DNA position 760, G replaced by T.
Protein change: p.Val254Phe; replaces valine 254 with phenylalanine.
Molecular consequence: missense variant.
Genome position (GRCh38, 1-based): chr3:38,921,208, C>A on the plus strand (G>T on the coding strand, the complement: SCN11A is on the minus strand). VCF-style: chr3-38921208-C-A. GRCh37 (hg19) VCF-style: chr3-38962699-C-A.
Other names: c.760G>T, p.Val254Phe (NM_014139.3); short protein forms V254F.
Identifiers: ClinVar variation 474757 (VCV000474757.12), dbSNP rs574777861, ClinGen allele CA2322515.